The following is an entry in ClinVar:

NM_002382.5(MAX):c.162A>C (p.Gln54His)

Genes: MAX (MYC associated transcriptional regulator X; minus strand), MAX-AS1 (MAX antisense RNA 1; plus strand). Cytogenetic location: 14q23.3.
Variant type: single nucleotide variant.
Coding change: c.162A>C on transcript NM_002382.5 (MANE Select); coding-DNA position 162, A replaced by C.
Protein change: p.Gln54His; replaces glutamine 54 with histidine.
Molecular consequence: missense variant. On other transcripts: non-coding transcript variant (1), 5 prime UTR variant (1).
Genome position (GRCh38, 1-based): chr14:65,093,717, T>G on the plus strand (A>C on the coding strand, the complement: MAX is on the minus strand). VCF-style: chr14-65093717-T-G. GRCh37 (hg19) VCF-style: chr14-65560435-T-G.
Other names: c.135A>C, p.Gln45His (NM_001271068.2, NM_001271069.2, NM_001407095.1 and 9 more transcripts); c.-113A>C (NM_001320415.2, NM_001407105.1, NM_001407106.1 and 1 more transcripts); c.162A>C, p.Gln54His (NM_001407094.1, NM_001407096.1, NM_001407097.1 and 5 more transcripts); c.-206A>C (NM_001407111.1, NM_001407112.1); c.185A>C, p.Lys62Thr (NM_001407114.1); short protein forms Q45H, Q54H, K62T.
Identifiers: ClinVar variation 1392154 (VCV001392154.6), dbSNP rs2063580081, ClinGen allele CA390037615.

ClinVar aggregate classification (germline): Uncertain significance. Review status: criteria provided, multiple submitters, no conflicts (2 of 4 stars). 2 submissions from 2 submitters: Uncertain significance (2). Last evaluated 2022-03-03.

Conditions:
Hereditary pheochromocytoma and paraganglioma. Also called: Hereditary paragangliomas and pheochromocytomas; Hereditary Paraganglioma-Pheochromocytoma Syndromes; Hereditary pheochromocytoma-paraganglioma. Identifiers: Orphanet 29072, MedGen C4274332, MONDO:0017366.
Hereditary cancer-predisposing syndrome. Also called: Tumor predisposition; Hereditary Cancer Syndrome; Hereditary neoplastic syndrome; Neoplastic Syndromes, Hereditary. Identifiers: Orphanet 140162, MedGen C0027672, MeSH D009386, MONDO:0015356.

Submissions (2):

Ambry Genetics
Classification: Uncertain significance for Hereditary cancer-predisposing syndrome. Last evaluated: 2022-03-03. Review status: criteria provided, single submitter. Criteria: Ambry Variant Classification Scheme 2023. Collection method: clinical testing. Allele origin: germline.
Comment: The p.Q54H variant (also known as c.162A>C), located in coding exon 3 of the MAX gene, results from an A to C substitution at nucleotide position 162. The glutamine at codon 54 is replaced by histidine, an amino acid with highly similar properties. This amino acid position is highly conserved in available vertebrate species. In addition, the in silico prediction for this alteration is inconclusive. Since supporting evidence is limited at this time, the clinical significance of this alteration remains unclear.

Labcorp Genetics (formerly Invitae), Labcorp
Classification: Uncertain significance for Hereditary pheochromocytoma and paraganglioma. Last evaluated: 2021-11-08. Review status: criteria provided, single submitter. Criteria: Invitae Variant Classification Sherloc (09022015). Collection method: clinical testing. Allele origin: germline.
Comment: This sequence change replaces glutamine, which is neutral and polar, with histidine, which is basic and polar, at codon 54 of the MAX protein (p.Gln54His). This variant is not present in population databases (gnomAD no frequency). This variant has not been reported in the literature in individuals affected with MAX-related conditions. Algorithms developed to predict the effect of missense changes on protein structure and function (SIFT, PolyPhen-2, Align-GVGD) all suggest that this variant is likely to be tolerated. In summary, the available evidence is currently insufficient to determine the role of this variant in disease. Therefore, it has been classified as a Variant of Uncertain Significance.